The following is an entry in ClinVar:

NM_000503.6(EYA1):c.86A>G (p.His29Arg)

Gene: EYA1 (EYA transcriptional coactivator and phosphatase 1; minus strand). Cytogenetic location: 8q13.3.
Variant type: single nucleotide variant.
Coding change: c.86A>G on transcript NM_000503.6 (MANE Select); coding-DNA position 86, A replaced by G.
Protein change: p.His29Arg; replaces histidine 29 with arginine.
Molecular consequence: missense variant. On other transcripts: 5 prime UTR variant (1), intron variant (2).
Genome position (GRCh38, 1-based): chr8:71,354,820, T>C on the plus strand (A>G on the coding strand, the complement: EYA1 is on the minus strand). VCF-style: chr8-71354820-T-C. GRCh37 (hg19) VCF-style: chr8-72267055-T-C.
Other names: c.86A>G, p.His29Arg (NM_001288574.2, NM_001370334.1, NM_001370335.1 and 1 more transcripts); c.-199A>G (NM_001288575.2); c.173A>G, p.His58Arg (NM_001370333.1, NM_001370336.1, NM_172059.5); c.25+1642A>G (NM_001411797.1, NM_172060.4); short protein forms H29R, H58R.
Identifiers: ClinVar variation 5017774 (VCV005017774.1).

ClinVar aggregate classification (germline): Uncertain significance (1 of 4 stars; one submission).

gnomAD v4.1: 2 of 1,613,688 alleles (0.00012%); highest among the groups gnomAD compares: Non-Finnish European, 0.000085%; no homozygotes.

Submission:

GeneDx
Classification: Uncertain significance. Last evaluated: 2026-04-05. Review status: criteria provided, single submitter. Criteria: GeneDx Variant Classification Process June 2021. Collection method: clinical testing. Allele origin: germline.
Comment: Not observed at significant frequency in large population cohorts (gnomAD); In silico analysis suggests that this missense variant does not alter protein structure/function; Has not been previously published as pathogenic or benign to our knowledge